The following is an entry in ClinVar:

ClinVar aggregate classification (germline): Likely pathogenic (1 of 4 stars; one submission).

Conditions:
Charcot-Marie-Tooth disease axonal type 2K (CMT2K). Also called: CHARCOT-MARIE-TOOTH DISEASE, AXONAL, AUTOSOMAL RECESSIVE, TYPE 2K; CHARCOT-MARIE-TOOTH NEUROPATHY, AXONAL, TYPE 2K; Charcot-Marie-Tooth disease type 2K. Identifiers: Orphanet 101097, Orphanet 99944, MedGen C1842983, MONDO:0011916, OMIM 607831.

Submission:

Genetics Research Center, University of Social Welfare and Rehabilitation Sciences
Classification: Likely pathogenic for Charcot-Marie-Tooth disease axonal type 2K. Review status: criteria provided, single submitter. Criteria: ACMG Guidelines, 2015. Collection method: research. Allele origin: biparental. Inheritance: Autosomal recessive inheritance. Affected: yes.
Comment: The GDAP1:c.791del; p.Ala264Glufs*21 was found in a family affected with autosomal recessive CMT2K, co-segregated with the disease status within the family. This variant was absent from large population databases. In summary this variant meets the PM2, PVS1, and PP1 criteria to be classified as likely pathogenic.

Literature cited by the submitters: PubMed 40711989.

NM_018972.4(GDAP1):c.791del (p.Ala264fs)

Gene: GDAP1 (ganglioside induced differentiation associated protein 1; plus strand). Cytogenetic location: 8q21.11.
Variant type: Deletion.
Coding change: c.791del on transcript NM_018972.4 (MANE Select); coding-DNA position 791, one base deleted (C; older notation c.791delC).
Protein change: p.Ala264fs; shifts the reading frame from alanine 264.
Molecular consequence: frameshift variant. On other transcripts: intron variant (1).
Genome position (GRCh38, 1-based): chr8:74,364,081, C deleted. VCF-style (leftmost placement, unchanged base first): chr8-74364080-GC-G. GRCh37 (hg19) VCF-style: chr8-75276315-GC-G.
Other names: c.587del, p.Ala196fs (NM_001040875.4); c.464del, p.Ala155fs (NM_001362929.2, NM_001362932.2); c.617del, p.Ala206fs (NM_001362930.2); c.694+1028del (NM_001362931.2); short protein forms A155fs, A196fs, A206fs, A264fs.
Identifiers: ClinVar variation 4532247 (VCV004532247.1).